The following is an entry in ClinVar:

NM_025137.4(SPG11):c.6754+19A>G

Gene: SPG11 (SPG11 vesicle trafficking associated, spatacsin; minus strand). Cytogenetic location: 15q21.1.
Variant type: single nucleotide variant.
Coding change: c.6754+19A>G on transcript NM_025137.4 (MANE Select); 19 bases into the intron after coding-DNA position 6754, A replaced by G.
Molecular consequence: intron variant.
Genome position (GRCh38, 1-based): chr15:44,567,405, T>C on the plus strand (A>G on the coding strand, the complement: SPG11 is on the minus strand). VCF-style: chr15-44567405-T-C. GRCh37 (hg19) VCF-style: chr15-44859603-T-C.
Other names: c.6415+19A>G (NM_001160227.2).
Identifiers: ClinVar variation 390543 (VCV000390543.14), dbSNP rs116635875, ClinGen allele CA7534028.
Genomic context (GRCh38, chr15:44,567,405, plus strand): 5'-GTCTCAAAAAAAAAAAAAAAAAAGGAATTTTACCTAGCTAGCAGCACTGTTCTGGTAGTG[T>C]GGCTGTGACCTCACTCACCCCAGGGCTGAGACTCAATCAATTTCAGTTGGATGCGGGCAG-3'

ClinVar aggregate classification (germline): Benign. Review status: criteria provided, multiple submitters, no conflicts (2 of 4 stars). 7 submissions from 5 submitters: Benign (5). 2 of the submissions do not count toward it. Last evaluated 2026-02-02.

Conditions:
Charcot-Marie-Tooth disease axonal type 2X. Also called: CHARCOT-MARIE-TOOTH DISEASE, AXONAL, AUTOSOMAL RECESSIVE, TYPE 2X; CHARCOT-MARIE-TOOTH NEUROPATHY, TYPE 2X. Identifiers: Orphanet 466775, MedGen C5569024, MONDO:0014726, OMIM 616668.
Amyotrophic lateral sclerosis type 5 (ALS5). Also called: AMYOTROPHIC LATERAL SCLEROSIS 5, JUVENILE. Identifiers: Orphanet 300605, MedGen C1865864, MONDO:0011196, OMIM 602099.
Hereditary spastic paraplegia 11. Also called: Spastic paraplegia, mental retardation and thin corpus callosum; Nakamura Osame syndrome; Autosomal recessive hereditary spastic paraplegia, mental impairment, and thin corpus callosum; Spastic Paraplegia 11; SPASTIC PARAPLEGIA, AUTOSOMAL RECESSIVE, COMPLICATED, WITH THIN CORPUS CALLOSUM; SPASTIC PARAPLEGIA, AUTOSOMAL RECESSIVE, WITH MENTAL IMPAIRMENT AND THIN CORPUS CALLOSUM. Identifiers: Orphanet 2822, MedGen C1858479, MONDO:0011445, OMIM 604360.

Allele frequency attached by ClinVar (database versions not stated): gnomAD exomes 0.00488 and 0.00187; ExAC 0.00602; gnomAD 0.01983 and 0.02121; TOPMed 0.02119; ESP Exome Variant Server 0.02163; 1000 Genomes Project 0.02296; 1000 Genomes Project 30x 0.02545.
gnomAD v4.1: 5,857 of 1,610,970 alleles (0.36%); highest among the groups gnomAD compares: African/African-American, 6.8%; 170 homozygotes.

Submissions (7):

Labcorp Genetics (formerly Invitae), Labcorp
Classification: Benign for Hereditary spastic paraplegia 11. Last evaluated: 2026-02-02. Review status: criteria provided, single submitter. Criteria: Invitae Variant Classification Sherloc (09022015). Collection method: clinical testing. Allele origin: germline.

GeneDx
Classification: Benign. Last evaluated: 2016-10-24. Review status: criteria provided, single submitter. Criteria: GeneDx Variant Classification (06012015). Collection method: clinical testing. Allele origin: germline. Affected: yes.
Comment: This variant is considered likely benign or benign based on one or more of the following criteria: it is a conservative change, it occurs at a poorly conserved position in the protein, it is predicted to be benign by multiple in silico algorithms, and/or has population frequency not consistent with disease.

Genome-Nilou Lab
Classification: Benign for Amyotrophic lateral sclerosis type 5. Review status: criteria provided, single submitter. Criteria: ACMG Guidelines, 2015. Collection method: clinical testing. Allele origin: germline.

Genome-Nilou Lab
Classification: Benign for Charcot-Marie-Tooth disease axonal type 2X. Review status: criteria provided, single submitter. Criteria: ACMG Guidelines, 2015. Collection method: clinical testing. Allele origin: germline.

Genome-Nilou Lab
Classification: Benign for Hereditary spastic paraplegia 11. Review status: criteria provided, single submitter. Criteria: ACMG Guidelines, 2015. Collection method: clinical testing. Allele origin: germline.

Clinical Genetics, Academic Medical Center
Classification: Benign. Review status: no assertion criteria provided. Collection method: clinical testing. Allele origin: germline. Affected: yes. Study: VKGL Data-share Consensus. Not counted in ClinVar's aggregate classification.

Genome Diagnostics Laboratory, Amsterdam University Medical Center
Classification: Likely benign. Review status: no assertion criteria provided. Collection method: clinical testing. Allele origin: germline. Affected: yes. Study: VKGL Data-share Consensus. Not counted in ClinVar's aggregate classification.